The following is an entry in ClinVar:

ClinVar aggregate classification (germline): Uncertain significance. Review status: criteria provided, multiple submitters, no conflicts (2 of 4 stars). 2 submissions from 2 submitters: Uncertain significance (2). Last evaluated 2024-03-05.

Conditions:
Developmental and epileptic encephalopathy, 23 (DEE23). Also called: Epileptic encephalopathy, early infantile, 23. Identifiers: Orphanet 411986, MedGen C4014492, MONDO:0014371, OMIM 615859.

gnomAD v4.1: 2 of 1,602,960 alleles (0.00012%); highest among the groups gnomAD compares: African/African-American, 0.0027%; no homozygotes.

Submissions (2):

Mayo Clinic Laboratories, Mayo Clinic
Classification: Uncertain significance. Last evaluated: 2024-03-05. Review status: criteria provided, single submitter. Criteria: ACMG Guidelines, 2015. Collection method: clinical testing. Allele origin: germline. Observed: 1 variant allele.
Comment: BP4, PP2, PM2_moderate

Labcorp Genetics (formerly Invitae), Labcorp
Classification: Uncertain significance for Developmental and epileptic encephalopathy, 23. Last evaluated: 2022-03-04. Review status: criteria provided, single submitter. Criteria: Invitae Variant Classification Sherloc (09022015). Collection method: clinical testing. Allele origin: germline.
Comment: This sequence change replaces isoleucine, which is neutral and non-polar, with valine, which is neutral and non-polar, at codon 281 of the DOCK7 protein (p.Ile281Val). This variant is not present in population databases (gnomAD no frequency). This variant has not been reported in the literature in individuals affected with DOCK7-related conditions. Algorithms developed to predict the effect of missense changes on protein structure and function (SIFT, PolyPhen-2, Align-GVGD) all suggest that this variant is likely to be tolerated. In summary, the available evidence is currently insufficient to determine the role of this variant in disease. Therefore, it has been classified as a Variant of Uncertain Significance.

NM_001367561.1(DOCK7):c.841A>G (p.Ile281Val)

Gene: DOCK7 (dedicator of cytokinesis 7; minus strand). Cytogenetic location: 1p31.3.
Variant type: single nucleotide variant.
Coding change: c.841A>G on transcript NM_001367561.1 (MANE Select); coding-DNA position 841, A replaced by G.
Protein change: p.Ile281Val; replaces isoleucine 281 with valine.
Molecular consequence: missense variant.
Genome position (GRCh38, 1-based): chr1:62,636,581, T>C on the plus strand (A>G on the coding strand, the complement: DOCK7 is on the minus strand). VCF-style: chr1-62636581-T-C. GRCh37 (hg19) VCF-style: chr1-63102252-T-C.
Other names: p.Ile281Val; c.841A>G, p.Ile281Val (NM_001271999.2, NM_001272000.2, NM_001272001.2 and 3 more transcripts); c.841A>G (NM_001271999.1); short protein forms I281V.
Identifiers: ClinVar variation 1512069 (VCV001512069.4), dbSNP rs1317549494, ClinGen allele CA340623186.